The following is an entry in ClinVar:

NM_001197104.2(KMT2A):c.3376G>C (p.Ala1126Pro)

Gene: KMT2A (lysine methyltransferase 2A; plus strand). Cytogenetic location: 11q23.3.
Variant type: single nucleotide variant.
Coding change: c.3376G>C on transcript NM_001197104.2 (MANE Select); coding-DNA position 3376, G replaced by C.
Protein change: p.Ala1126Pro; replaces alanine 1126 with proline.
Molecular consequence: missense variant.
Genome position (GRCh38, 1-based): chr11:118,478,008, G>C. VCF-style: chr11-118478008-G-C. GRCh37 (hg19) VCF-style: chr11-118348723-G-C.
Other names: c.3475G>C, p.Ala1159Pro (NM_001412597.1); c.3376G>C, p.Ala1126Pro (NM_005933.4); short protein forms A1126P, A1159P.
Identifiers: ClinVar variation 3634312 (VCV003634312.2).

ClinVar aggregate classification (germline): Uncertain significance (1 of 4 stars; one submission).

Submission:

Labcorp Genetics (formerly Invitae), Labcorp
Classification: Uncertain significance. Last evaluated: 2025-01-06. Review status: criteria provided, single submitter. Criteria: Invitae Variant Classification Sherloc (09022015). Collection method: clinical testing. Allele origin: germline.
Comment: This sequence change replaces alanine, which is neutral and non-polar, with proline, which is neutral and non-polar, at codon 1126 of the KMT2A protein (p.Ala1126Pro). This variant is not present in population databases (gnomAD no frequency). This variant has not been reported in the literature in individuals affected with KMT2A-related conditions. Invitae Evidence Modeling of protein sequence and biophysical properties (such as structural, functional, and spatial information, amino acid conservation, physicochemical variation, residue mobility, and thermodynamic stability) has been performed for this missense variant. However, the output from this modeling did not meet the statistical confidence thresholds required to predict the impact of this variant on KMT2A protein function. In summary, the available evidence is currently insufficient to determine the role of this variant in disease. Therefore, it has been classified as a Variant of Uncertain Significance.